The following is an entry in ClinVar:

NM_001365902.3(NFIX):c.341_353del (p.Ile114fs)

Gene: NFIX (nuclear factor I X; plus strand). Cytogenetic location: 19p13.13.
Variant type: Deletion.
Coding change: c.341_353del on transcript NM_001365902.3 (MANE Select); coding-DNA positions 341 to 353, 13 bases deleted (TCCGGCGGATTGA).
Protein change: p.Ile114fs; shifts the reading frame from isoleucine 114.
Molecular consequence: frameshift variant.
Genome position (GRCh38, 1-based): chr19:13,025,334-13,025,346, TCCGGCGGATTGA deleted; deleting any 13 consecutive bases within chr19:13,025,332-13,025,346 gives the same sequence; the c. name uses the placement nearest the transcript's 3' end. VCF-style (leftmost placement, unchanged base first): chr19-13025331-AGATCCGGCGGATT-A. GRCh37 (hg19) VCF-style: chr19-13136145-AGATCCGGCGGATT-A.
Other names: c.365_377del, p.Ile122fs (NM_001271043.2); c.317_329del, p.Ile106fs (NM_001271044.3, NM_001378404.1); c.341_353del, p.Ile114fs (NM_001365982.2, NM_002501.4); c.200_212del, p.Ile67fs (NM_001365983.2); c.338_350del, p.Ile113fs (NM_001365984.2, NM_001365985.2); c.389_401del, p.Ile130fs (NM_001378405.1); short protein forms I106fs, I113fs, I114fs, I122fs, I130fs, I67fs.
Identifiers: ClinVar variation 3754632 (VCV003754632.2).
Genomic context (GRCh38, chr19:13,025,331, plus strand): 5'-TGACCATCACGGGCAAGAAGCCCCCCTGCTGCGTGCTCTCCAACCCCGACCAGAAGGGCA[AGATCCGGCGGATT>A]GACTGCCTGCGCCAGGCTGACAAGGTGTGGCGGCTGGACCTGGTCATGGTGATTTTGTTT-3'

ClinVar aggregate classification (germline): Pathogenic (1 of 4 stars; one submission).

Conditions:
Marshall-Smith syndrome (MRSHSS). Identifiers: Orphanet 561, MedGen C0265211, MONDO:0011244, OMIM 602535.
Malan overgrowth syndrome (MALNS). Also called: NFIX-Related Malan Syndrome; MALAN SYNDROME; Sotos syndrome 2. Identifiers: Orphanet 420179, MedGen C3553660, MONDO:0013885, OMIM 614753.

Submission:

Labcorp Genetics (formerly Invitae), Labcorp
Classification: Pathogenic for Malan overgrowth syndrome; Marshall-Smith syndrome. Last evaluated: 2024-02-14. Review status: criteria provided, single submitter. Criteria: Invitae Variant Classification Sherloc (09022015). Collection method: clinical testing. Allele origin: germline.
Comment: This sequence change creates a premature translational stop signal (p.Ile122Thrfs*17) in the NFIX gene. It is expected to result in an absent or disrupted protein product. Loss-of-function variants in NFIX are known to be pathogenic (PMID: 20673863, 20949508, 24924640, 25118028). This variant is not present in population databases (gnomAD no frequency). This variant has not been reported in the literature in individuals affected with NFIX-related conditions. For these reasons, this variant has been classified as Pathogenic.

Literature cited by the submitters: PubMed 20673863; PubMed 20949508; PubMed 24924640; PubMed 25118028.